The following is an entry in ClinVar:

ClinVar aggregate classification (germline): Uncertain significance (1 of 4 stars; one submission).

Submission:

GeneDx
Classification: Uncertain significance. Last evaluated: 2019-11-04. Review status: criteria provided, single submitter. Criteria: GeneDx Variant Classification Process June 2021. Collection method: clinical testing. Allele origin: germline. Affected: yes.
Comment: Has not been previously published as pathogenic or benign to our knowledge; Not observed in large population cohorts (Lek et al., 2016); Nonsense variant predicted to result in protein truncation in a gene for which loss-of-function is not a known mechanism of disease

NM_181703.4(GJA5):c.868C>T (p.Gln290Ter)

Gene: GJA5 (gap junction protein alpha 5; minus strand). Cytogenetic location: 1q21.2.
Variant type: single nucleotide variant.
Coding change: c.868C>T on transcript NM_181703.4 (MANE Select); coding-DNA position 868, C replaced by T.
Protein change: p.Gln290Ter; replaces glutamine 290 with a stop codon.
Molecular consequence: nonsense.
Genome position (GRCh38, 1-based): chr1:147,758,371, G>A on the plus strand (C>T on the coding strand, the complement: GJA5 is on the minus strand). VCF-style: chr1-147758371-G-A. GRCh37 (hg19) VCF-style: chr1-147230479-G-A.
Other names: c.868C>T, p.Gln290Ter (NM_005266.7); short protein forms Q290*.
Identifiers: ClinVar variation 1315925 (VCV001315925.2), dbSNP rs2148958832, ClinGen allele CA342394241.
Genomic context (GRCh38, chr1:147,758,371, plus strand): 5'-CCCCAGGAGTCTGCTCCTGACCTCGTACTTGCTCGGTGACCAGGTTGTCTGTGTTTTGTT[G>A]GGAGGCCATATTATTGCTGAAGGGATTGAAGAATTTTCCCCCAGGGCCATTCTCCAGGCA-3'